The following is an entry in ClinVar:

ClinVar aggregate classification (germline): Uncertain significance (1 of 4 stars; one submission).

Conditions:
Familial focal epilepsy with variable foci (FPEVF). Identifiers: Orphanet 98820, MedGen C1858477, MONDO:0020310.

Allele frequency attached by ClinVar (database versions not stated): ExAC 0.00001; gnomAD 0.00001; gnomAD exomes 0.00002.
gnomAD v4.1: 12 of 1,613,328 alleles (0.00074%); highest among the groups gnomAD compares: South Asian, 0.0044%; no homozygotes.

Submission:

Labcorp Genetics (formerly Invitae), Labcorp
Classification: Uncertain significance for Familial focal epilepsy with variable foci. Last evaluated: 2025-02-17. Review status: criteria provided, single submitter. Criteria: Invitae Variant Classification Sherloc (09022015). Collection method: clinical testing. Allele origin: germline.
Comment: This sequence change falls in intron 18 of the DEPDC5 gene. It does not directly change the encoded amino acid sequence of the DEPDC5 protein. It affects a nucleotide within the consensus splice site. This variant is present in population databases (rs750267006, gnomAD 0.007%). This variant has not been reported in the literature in individuals affected with DEPDC5-related conditions. ClinVar contains an entry for this variant (Variation ID: 1403717). Variants that disrupt the consensus splice site are a relatively common cause of aberrant splicing (PMID: 17576681, 9536098). Algorithms developed to predict the effect of sequence changes on RNA splicing suggest that this variant is not likely to affect RNA splicing. In summary, the available evidence is currently insufficient to determine the role of this variant in disease. Therefore, it has been classified as a Variant of Uncertain Significance.

Literature cited by the submitters: PubMed 17576681; PubMed 9536098.

NM_001242896.3(DEPDC5):c.1287+3A>G

Gene: DEPDC5 (DEP domain containing 5, GATOR1 subcomplex subunit; plus strand). Cytogenetic location: 22q12.3.
Variant type: single nucleotide variant.
Coding change: c.1287+3A>G on transcript NM_001242896.3 (MANE Select); 3 bases into the intron after coding-DNA position 1287, A replaced by G.
Molecular consequence: intron variant.
Genome position (GRCh38, 1-based): chr22:31,806,194, A>G. VCF-style: chr22-31806194-A-G. GRCh37 (hg19) VCF-style: chr22-32202180-A-G.
Other names: c.1287+3A>G (NM_001364318.2, NM_001136029.4, NM_014662.6 and 7 more transcripts); c.1203+3A>G (NM_001369902.1, NM_001369901.1).
Identifiers: ClinVar variation 1403717 (VCV001403717.6), dbSNP rs750267006, ClinGen allele CA10196299.
Genomic context (GRCh38, chr22:31,806,194, plus strand): 5'-CAAAAGCCAGCTCTTTTGTAATAGTTTCACCCCACGAATAAAACTGGCAGGAAAGAAGGT[A>G]GGTTTTTATTTTTGTTAAGACGGGGTCTTATTATGTGGTCCAGTCTTATCTTGAGCTCCT-3'